The following is an entry in ClinVar:

ClinVar aggregate classification (germline): Uncertain significance (1 of 4 stars; one submission).

Conditions:
Glutaric aciduria, type 1. Also called: GA I; Glutaryl-CoA dehydrogenase deficiency; Glutaricaciduria, type I; Glutaric Acidemia Type 1; Glutaric acidemia type I; Glutaricacidemia Type 1. Identifiers: Orphanet 25, MedGen C0268595, MONDO:0009281, OMIM 231670.

Allele frequency attached by ClinVar (database versions not stated): TOPMed 0.00003.
gnomAD v4.1: 10 of 774,618 alleles (0.0013%); highest among the groups gnomAD compares: Admixed American, 0.004%; no homozygotes.

Submission:

Centre for Mendelian Genomics, University Medical Centre Ljubljana
Classification: Uncertain significance for Glutaric aciduria, type 1. Last evaluated: 2019-01-22. Review status: criteria provided, single submitter. Criteria: ACMG Guidelines, 2015. Collection method: clinical testing. Allele origin: unknown. Affected: yes.
Comment: This variant was classified as: Uncertain significance. The available evidence on this variant's pathogenicity is insufficient or conflicting. The following ACMG criteria were applied in classifying this variant: PM2.

NM_000159.4(GCDH):c.-47G>A

Genes: GCDH (glutaryl-CoA dehydrogenase; plus strand), LOC117125594 (CRISPRi-FlowFISH-validated KLF1 regulatory element; plus strand). Cytogenetic location: 19p13.13.
Variant type: single nucleotide variant.
Coding change: c.-47G>A on transcript NM_000159.4 (MANE Select); 47 bases upstream of the start codon, G replaced by A.
Molecular consequence: 5 prime UTR variant. On other transcripts: non-coding transcript variant (2).
Genome position (GRCh38, 1-based): chr19:12,891,190, G>A. VCF-style: chr19-12891190-G-A. GRCh37 (hg19) VCF-style: chr19-13002004-G-A.
Other names: c.-47G>A (NM_013976.5).
Identifiers: ClinVar variation 931428 (VCV000931428.3), dbSNP rs952257144, ClinGen allele CA631851592.